The following is an entry in ClinVar:

NM_152618.3(BBS12):c.1277G>T (p.Cys426Phe)

Gene: BBS12 (Bardet-Biedl syndrome 12; plus strand). Cytogenetic location: 4q27.
Variant type: single nucleotide variant.
Coding change: c.1277G>T on transcript NM_152618.3 (MANE Select); coding-DNA position 1277, G replaced by T.
Protein change: p.Cys426Phe; replaces cysteine 426 with phenylalanine.
Molecular consequence: missense variant.
Genome position (GRCh38, 1-based): chr4:122,743,169, G>T. VCF-style: chr4-122743169-G-T. GRCh37 (hg19) VCF-style: chr4-123664324-G-T.
Other names: c.1277G>T, p.Cys426Phe (NM_001178007.2); short protein forms C426F.
Identifiers: ClinVar variation 4993620 (VCV004993620.1).

ClinVar aggregate classification (germline): Uncertain significance (1 of 4 stars; one submission).

Conditions:
BBS12-related disorder. Also called: BBS12-related condition.

Submission:

PreventionGenetics, part of Exact Sciences
Classification: Uncertain significance for BBS12-related condition. Last evaluated: 2026-09-16. Review status: criteria provided, single submitter. Criteria: ACMG Guidelines, 2015. Collection method: clinical testing. Allele origin: germline.
Comment: The BBS12 c.1277G>T variant is predicted to result in the amino acid substitution p.Cys426Phe. To our knowledge, this variant has not been reported in the literature or in a large population database (gnomAD), indicating this variant is rare. At this time, the clinical significance of this variant is uncertain due to the absence of conclusive functional and genetic evidence.